The following is an entry in ClinVar:

NM_020884.7(MYH7B):c.65C>T (p.Thr22Met)

Gene: MYH7B (myosin heavy chain 7B; plus strand). Cytogenetic location: 20q11.22.
Variant type: single nucleotide variant.
Coding change: c.65C>T on transcript NM_020884.7 (MANE Select); coding-DNA position 65, C replaced by T.
Protein change: p.Thr22Met; replaces threonine 22 with methionine.
Molecular consequence: missense variant.
Genome position (GRCh38, 1-based): chr20:34,978,070, C>T. VCF-style: chr20-34978070-C-T. GRCh37 (hg19) VCF-style: chr20-33565873-C-T.
Other names: short protein forms T22M.
Identifiers: ClinVar variation 1388750 (VCV001388750.8), dbSNP rs41312286, ClinGen allele CA9826284.

ClinVar aggregate classification (germline): Uncertain significance (1 of 4 stars; one submission).

Allele frequency attached by ClinVar (database versions not stated): ExAC 0.00004; gnomAD exomes 0.00007; gnomAD 0.00021; 1000 Genomes Project 0.00040; 1000 Genomes Project 30x 0.00047.
gnomAD v4.1: 84 of 1,613,960 alleles (0.0052%); highest among the groups gnomAD compares: Admixed American, 0.1%; 2 homozygotes.

Submission:

Labcorp Genetics (formerly Invitae), Labcorp
Classification: Uncertain significance. Last evaluated: 2025-12-31. Review status: criteria provided, single submitter. Criteria: Invitae Variant Classification Sherloc (09022015). Collection method: clinical testing. Allele origin: germline.
Comment: This sequence change replaces threonine, which is neutral and polar, with methionine, which is neutral and non-polar, at codon 64 of the MYH7B protein (p.Thr64Met). This variant is present in population databases (rs41312286, gnomAD 0.04%). This variant has not been reported in the literature in individuals affected with MYH7B-related conditions. ClinVar contains an entry for this variant (Variation ID: 1388750). Invitae Evidence Modeling of protein sequence and biophysical properties (such as structural, functional, and spatial information, amino acid conservation, physicochemical variation, residue mobility, and thermodynamic stability) indicates that this missense variant is not expected to disrupt MYH7B protein function with a negative predictive value of 80%. In summary, the available evidence is currently insufficient to determine the role of this variant in disease. Therefore, it has been classified as a Variant of Uncertain Significance.